The following is an entry in ClinVar:

NM_001014.5(RPS10):c.313C>T (p.Arg105Trp)

Genes: RPS10-NUDT3 (RPS10-NUDT3 readthrough; minus strand), RPS10 (ribosomal protein S10; minus strand). Cytogenetic location: 6p21.31.
Variant type: single nucleotide variant.
Coding change: c.313C>T on transcript NM_001014.5 (MANE Select); coding-DNA position 313, C replaced by T.
Protein change: p.Arg105Trp; replaces arginine 105 with tryptophan.
Molecular consequence: missense variant.
Genome position (GRCh38, 1-based): chr6:34,424,678, G>A on the plus strand (C>T on the coding strand, the complement: RPS10 is on the minus strand). VCF-style: chr6-34424678-G-A. GRCh37 (hg19) VCF-style: chr6-34392455-G-A.
Other names: c.313C>T, p.Arg105Trp (NM_001202470.3, NM_001203245.3, NM_001204091.2); short protein forms R105W.
Identifiers: ClinVar variation 2824117 (VCV002824117.3), dbSNP rs2533030297, ClinGen allele CA363884991.

ClinVar aggregate classification (germline): Uncertain significance (1 of 4 stars; one submission).

Conditions:
Diamond-Blackfan anemia. Also called: Blackfan Diamond syndrome; Aregenerative anemia chronic congenital; Red cell aplasia, pure hereditary; Congenital hypoplastic anemia; Aase syndrome. Identifiers: Orphanet 124, MedGen C1260899, MeSH D029503, MONDO:0015253, HP:0004810.

Allele frequency attached by ClinVar (database versions not stated): gnomAD exomes below 0.00001.

Submission:

Labcorp Genetics (formerly Invitae), Labcorp
Classification: Uncertain significance for Diamond-Blackfan anemia. Last evaluated: 2023-03-17. Review status: criteria provided, single submitter. Criteria: Invitae Variant Classification Sherloc (09022015). Collection method: clinical testing. Allele origin: germline.
Comment: In summary, the available evidence is currently insufficient to determine the role of this variant in disease. Therefore, it has been classified as a Variant of Uncertain Significance. An algorithm developed to predict the effect of missense changes on protein structure and function (PolyPhen-2) suggests that this variant is likely to be tolerated. This variant has not been reported in the literature in individuals affected with RPS10-related conditions. This variant is not present in population databases (gnomAD no frequency). This sequence change replaces arginine, which is basic and polar, with tryptophan, which is neutral and slightly polar, at codon 105 of the RPS10 protein (p.Arg105Trp).